The following is an entry in ClinVar:

NM_000059.4(BRCA2):c.7885T>C (p.Trp2629Arg)

Gene: BRCA2 (BRCA2 DNA repair associated; plus strand). Cytogenetic location: 13q13.1.
Variant type: single nucleotide variant.
Coding change: c.7885T>C on transcript NM_000059.4 (MANE Select); coding-DNA position 7885, T replaced by C.
Protein change: p.Trp2629Arg; replaces tryptophan 2629 with arginine.
Molecular consequence: missense variant. On other transcripts: non-coding transcript variant (1).
Genome position (GRCh38, 1-based): chr13:32,362,602, T>C. VCF-style: chr13-32362602-T-C. GRCh37 (hg19) VCF-style: chr13-32936739-T-C.
Other names: c.7789T>C, p.Trp2597Arg (NM_001406719.1); c.7885T>C, p.Trp2629Arg (NM_001406720.1); c.2953T>C, p.Trp985Arg (NM_001406721.1); c.1468T>C, p.Trp490Arg (NM_001406722.1); short protein forms W2597R, W2629R, W985R, W490R.
Identifiers: ClinVar variation 2585174 (VCV002585174.3), dbSNP rs2548545454, ClinGen allele CA387747114.

ClinVar aggregate classification (germline): Uncertain significance. Review status: criteria provided, multiple submitters, no conflicts (2 of 4 stars). 3 submissions from 3 submitters: Uncertain significance (3). Last evaluated 2025-12-16.

Conditions:
Hereditary cancer-predisposing syndrome. Also called: Tumor predisposition; Neoplastic Syndromes, Hereditary; Hereditary Cancer Syndrome; Hereditary neoplastic syndrome. Identifiers: Orphanet 140162, MedGen C0027672, MeSH D009386, MONDO:0015356.
Hereditary breast ovarian cancer syndrome. Also called: Hereditary breast and/or ovarian cancer syndrome; Hereditary breast and ovarian cancer; Hereditary breast and ovarian cancer syndrome; Hereditary breast and ovarian cancer syndrome (HBOC); Breast and ovarian cancer; BRCA1- and BRCA2-Associated Hereditary Breast and Ovarian Cancer. Identifiers: Orphanet 145, MedGen C0677776, MeSH D061325, MONDO:0003582. Disease mechanism: loss of function.
Breast-ovarian cancer, familial, susceptibility to, 2 (BROVCA2). Also called: BRCA2 Hereditary Breast and Ovarian Cancer. Identifiers: Orphanet 145, MedGen C2675520, MONDO:0012933, OMIM 612555. Disease mechanism: loss of function.

Submissions (3):

Labcorp Genetics (formerly Invitae), Labcorp
Classification: Uncertain significance for Hereditary breast ovarian cancer syndrome. Last evaluated: 2025-12-16. Review status: criteria provided, single submitter. Criteria: Invitae Variant Classification Sherloc (09022015). Collection method: clinical testing. Allele origin: germline.
Comment: This sequence change replaces tryptophan, which is neutral and slightly polar, with arginine, which is basic and polar, at codon 2629 of the BRCA2 protein (p.Trp2629Arg). This variant is not present in population databases (gnomAD no frequency). This variant has not been reported in the literature in individuals affected with BRCA2-related conditions. ClinVar contains an entry for this variant (Variation ID: 2585174). Invitae Evidence Modeling of protein sequence and biophysical properties (such as structural, functional, and spatial information, amino acid conservation, physicochemical variation, residue mobility, and thermodynamic stability) has been performed for this missense variant. However, the output from this modeling did not meet the statistical confidence thresholds required to predict the impact of this variant on BRCA2 protein function. In summary, the available evidence is currently insufficient to determine the role of this variant in disease. Therefore, it has been classified as a Variant of Uncertain Significance.

Ambry Genetics
Classification: Uncertain significance for Hereditary cancer-predisposing syndrome. Last evaluated: 2023-09-01. Review status: criteria provided, single submitter. Criteria: Ambry Variant Classification Scheme 2023. Collection method: clinical testing. Allele origin: germline.
Comment: The p.W2629R variant (also known as c.7885T>C), located in coding exon 16 of the BRCA2 gene, results from a T to C substitution at nucleotide position 7885. The tryptophan at codon 2629 is replaced by arginine, an amino acid with dissimilar properties. This amino acid position is conserved. In addition, this alteration is predicted to be deleterious by in silico analysis. Since supporting evidence is limited at this time, the clinical significance of this alteration remains unclear.

Neuberg Centre For Genomic Medicine, NCGM
Classification: Uncertain significance for Breast-ovarian cancer, familial, susceptibility to, 2. Review status: criteria provided, single submitter. Criteria: ACMG Guidelines, 2015. Collection method: clinical testing. Allele origin: germline. Inheritance: Autosomal dominant inheritance. Affected: yes.
Comment: The missense variant c.7885T>C (p.Trp2629Arg) in BRCA2 gene has not been reported previously as a pathogenic variant nor as a benign variant, to our knowledge. The p.Trp2629Arg variant is novel (not in any individuals) in gnomAD Exomes and 1000 Genomes. This variant has not been reported to the ClinVar database. The amino acid Trp at position 2629 is changed to a Arg changing protein sequence and it might alter its composition and physico-chemical properties. The amino acid change p.Trp2629Arg in BRCA2 is predicted as conserved by GERP++ and PhyloP across 100 vertebrates. For these reasons, this variant has been classified as Uncertain Significance (VUS).